The following is an entry in ClinVar:

NM_002633.3(PGM1):c.636T>C (p.Leu212=)

Gene: PGM1 (phosphoglucomutase 1; plus strand). Cytogenetic location: 1p31.3.
Variant type: single nucleotide variant.
Coding change: c.636T>C on transcript NM_002633.3 (MANE Select); coding-DNA position 636, T replaced by C.
Protein change: p.Leu212=; no amino-acid change (leucine 212 retained).
Molecular consequence: synonymous variant.
Genome position (GRCh38, 1-based): chr1:63,631,736, T>C. VCF-style: chr1-63631736-T-C. GRCh37 (hg19) VCF-style: chr1-64097407-T-C.
Other names: c.690T>C, p.Leu230= (NM_001172818.1); c.45T>C, p.Leu15= (NM_001172819.2).
Identifiers: ClinVar variation 3026655 (VCV003026655.22), dbSNP rs2523882224, ClinGen allele CA418209085.

ClinVar aggregate classification (germline): Likely benign (1 of 4 stars; one submission).

Allele frequency attached by ClinVar (database versions not stated): gnomAD exomes below 0.00001.
gnomAD v4.1: 1 of 1,613,618 alleles (0.000062%); highest among the groups gnomAD compares: Non-Finnish European, 0.000085%; no homozygotes.

Submission:

CeGaT Center for Human Genetics Tuebingen
Classification: Likely benign. Last evaluated: 2023-12-01. Review status: criteria provided, single submitter. Criteria: CeGaT Center For Human Genetics Tuebingen Variant Classification Criteria Version 2. Collection method: clinical testing. Allele origin: germline. Affected: yes. Observed: 1 variant allele.
Comment: PGM1: PM2:Supporting, BP4, BP7